The following is an entry in ClinVar:

NM_001099274.3(TINF2):c.473T>C (p.Leu158Pro)

Gene: TINF2 (TERF1 interacting nuclear factor 2; minus strand). Cytogenetic location: 14q12.
Variant type: single nucleotide variant.
Coding change: c.473T>C on transcript NM_001099274.3 (MANE Select); coding-DNA position 473, T replaced by C.
Protein change: p.Leu158Pro; replaces leucine 158 with proline.
Molecular consequence: missense variant.
Genome position (GRCh38, 1-based): chr14:24,241,238, A>G on the plus strand (T>C on the coding strand, the complement: TINF2 is on the minus strand). VCF-style: chr14-24241238-A-G. GRCh37 (hg19) VCF-style: chr14-24710444-A-G.
Other names: c.368T>C, p.Leu123Pro (NM_001363668.2); c.473T>C, p.Leu158Pro (NM_012461.3); short protein forms L123P, L158P.
Identifiers: ClinVar variation 3602451 (VCV003602451.1).

ClinVar aggregate classification (germline): Uncertain significance (1 of 4 stars; one submission).

Submission:

GeneDx
Classification: Uncertain significance. Last evaluated: 2024-07-29. Review status: criteria provided, single submitter. Criteria: GeneDx Variant Classification Process June 2021. Collection method: clinical testing. Allele origin: germline. Affected: yes.
Comment: Not observed at significant frequency in large population cohorts (gnomAD); In silico analysis supports that this missense variant has a deleterious effect on protein structure/function; Has not been previously published as pathogenic or benign to our knowledge